The following is an entry in ClinVar:

ClinVar aggregate classification (germline): Benign/Likely benign. Review status: criteria provided, multiple submitters, no conflicts (2 of 4 stars). 4 submissions from 4 submitters: Benign (1); Likely benign (3). Last evaluated 2026-01-19.

Conditions:
Hereditary cancer-predisposing syndrome. Also called: Tumor predisposition; Neoplastic Syndromes, Hereditary; Hereditary neoplastic syndrome; Hereditary Cancer Syndrome. Identifiers: Orphanet 140162, MedGen C0027672, MeSH D009386, MONDO:0015356.
BAP1-related tumor predisposition syndrome (TPDS1). Also called: COMMON Syndrome; TUMOR PREDISPOSITION SYNDROME 1; Tumor susceptibility linked to germline BAP1 mutations; BAP1 tumor predisposition syndrome. Identifiers: Orphanet 289539, MedGen C3280492, MONDO:0013692, OMIM 614327.

Allele frequency attached by ClinVar (database versions not stated): TOPMed 0.00001.

Submissions (4):

Labcorp Genetics (formerly Invitae), Labcorp
Classification: Likely benign for BAP1-related tumor predisposition syndrome. Last evaluated: 2026-01-19. Review status: criteria provided, single submitter. Criteria: Invitae Variant Classification Sherloc (09022015). Collection method: clinical testing. Allele origin: germline.

Myriad Genetics, Inc.
Classification: Benign for BAP1-related tumor predisposition syndrome. Last evaluated: 2024-07-17. Review status: criteria provided, single submitter. Criteria: Myriad Autosomal Dominant, Autosomal Recessive and X-Linked Classification Criteria (2023). Collection method: clinical testing. Allele origin: unknown.
Comment: This variant is considered benign. This variant is a silent/synonymous amino acid change and it is not expected to impact splicing.

Color Diagnostics, LLC DBA Color Health
Classification: Likely benign for Hereditary cancer-predisposing syndrome. Last evaluated: 2023-06-26. Review status: criteria provided, single submitter. Criteria: ACMG Guidelines, 2015. Collection method: clinical testing. Allele origin: germline.

Ambry Genetics
Classification: Likely benign for Hereditary cancer-predisposing syndrome. Last evaluated: 2022-10-11. Review status: criteria provided, single submitter. Criteria: Ambry Variant Classification Scheme 2023. Collection method: clinical testing. Allele origin: germline.

NM_004656.4(BAP1):c.1782G>A (p.Gly594=)

Gene: BAP1 (BRCA1 associated deubiquitinase 1; minus strand). Cytogenetic location: 3p21.1.
Variant type: single nucleotide variant.
Coding change: c.1782G>A on transcript NM_004656.4 (MANE Select); coding-DNA position 1782, G replaced by A.
Protein change: p.Gly594=; no amino-acid change (glycine 594 retained).
Molecular consequence: synonymous variant.
Genome position (GRCh38, 1-based): chr3:52,403,246, C>T on the plus strand (G>A on the coding strand, the complement: BAP1 is on the minus strand). VCF-style: chr3-52403246-C-T. GRCh37 (hg19) VCF-style: chr3-52437262-C-T.
Identifiers: ClinVar variation 1149277 (VCV001149277.12), dbSNP rs1705026345, ClinGen allele CA433885978.